The following is an entry in ClinVar:

NM_005236.3(ERCC4):c.1581A>T (p.Glu527Asp)

Gene: ERCC4 (ERCC excision repair 4, endonuclease catalytic subunit; plus strand). Cytogenetic location: 16p13.12.
Variant type: single nucleotide variant.
Coding change: c.1581A>T on transcript NM_005236.3 (MANE Select); coding-DNA position 1581, A replaced by T.
Protein change: p.Glu527Asp; replaces glutamic acid 527 with aspartic acid.
Molecular consequence: missense variant.
Genome position (GRCh38, 1-based): chr16:13,935,513, A>T. VCF-style: chr16-13935513-A-T. GRCh37 (hg19) VCF-style: chr16-14029370-A-T.
Other names: short protein forms E527D.
Identifiers: ClinVar variation 855799 (VCV000855799.13), dbSNP rs200649435, ClinGen allele CA7910500.
Genomic context (GRCh38, chr16:13,935,513, plus strand): 5'-AGGAGATGTCGAGGAAGGATATCGTCGAGAAATAAGCAGTAGCCCAGAAAGCTGCCCGGA[A>T]GAAATTAAGCATGAAGAATTTGATGTAAATTTGTCATCGGATGCTGCTTTCGGAATCCTG-3'
Protein context (NP_005227.1, residues 517-537): EISSSPESCP[Glu527Asp]EIKHEEFDVN

ClinVar aggregate classification (germline): Uncertain significance. Review status: criteria provided, multiple submitters, no conflicts (2 of 4 stars). 4 submissions from 4 submitters: Uncertain significance (4). Last evaluated 2025-01-20.

Conditions:
Xeroderma pigmentosum, group F (XPF). Also called: XERODERMA PIGMENTOSUM, COMPLEMENTATION GROUP F; XERODERMA PIGMENTOSUM VI; XP, GROUP F; ERCC4-Related Xeroderma Pigmentosum; XERODERMA PIGMENTOSUM, TYPE F; Xeroderma pigmentosum, type 6. Identifiers: MedGen C0268140, MONDO:0010215, OMIM 278760.
Cockayne syndrome. Identifiers: Orphanet 191, MedGen C0009207, MONDO:0016006.
Fanconi anemia complementation group Q. Identifiers: Orphanet 84, MedGen C3808988, MONDO:0014108, OMIM 615272.
Xeroderma pigmentosum (XP). Identifiers: Orphanet 910, MedGen C0043346, MONDO:0019600.

Allele frequency attached by ClinVar (database versions not stated): ExAC 0.00011; gnomAD 0.00017 and 0.00019; TOPMed 0.00019.
gnomAD v4.1: 541 of 1,614,096 alleles (0.034%); highest among the groups gnomAD compares: Non-Finnish European, 0.042%; 1 homozygote.

Submissions (4):

Labcorp Genetics (formerly Invitae), Labcorp
Classification: Uncertain significance for Fanconi anemia complementation group Q; Xeroderma pigmentosum, group F; Cockayne syndrome. Last evaluated: 2025-01-20. Review status: criteria provided, single submitter. Criteria: Invitae Variant Classification Sherloc (09022015). Collection method: clinical testing. Allele origin: germline.
Comment: This sequence change replaces glutamic acid, which is acidic and polar, with aspartic acid, which is acidic and polar, at codon 527 of the ERCC4 protein (p.Glu527Asp). This variant is present in population databases (rs200649435, gnomAD 0.02%). This variant has not been reported in the literature in individuals affected with ERCC4-related conditions. ClinVar contains an entry for this variant (Variation ID: 855799). Invitae Evidence Modeling of protein sequence and biophysical properties (such as structural, functional, and spatial information, amino acid conservation, physicochemical variation, residue mobility, and thermodynamic stability) indicates that this missense variant is not expected to disrupt ERCC4 protein function with a negative predictive value of 80%. In summary, the available evidence is currently insufficient to determine the role of this variant in disease. Therefore, it has been classified as a Variant of Uncertain Significance.

Sema4
Classification: Uncertain significance for Xeroderma pigmentosum. Last evaluated: 2021-07-12. Review status: criteria provided, single submitter. Criteria: Sema4 Curation Guidelines. Collection method: curation. Allele origin: germline.
Comment: The ERCC4 c.1581A>T (p.E527D) variant has not been reported in the literature to our knowledge. It was observed in 28/129112 chromosomes, in the Non-Finnish European subpopulation in the large and broad cohorts of the Genome Aggregation Database (PMID: 32461654). The variant has been reported in ClinVar (Variation ID: 855799). Functional studies have not been performed and in silico tool predictions of the variants effect on protein function are inconclusive. The evidence is insufficient to meet ACMG/AMP criteria for classifying the variant as benign or pathogenic. Thus, the clinical significance of this variant is currently uncertain.

Baylor Genetics
Classification: Uncertain significance for Fanconi anemia complementation group Q. Last evaluated: 2020-03-09. Review status: criteria provided, single submitter. Criteria: ACMG Guidelines, 2015. Collection method: clinical testing. Allele origin: unknown. Affected: yes. Study: CSER-TexasKidsCanSeq.
Comment: This variant was determined to be of uncertain significance according to ACMG Guidelines, 2015 [PMID:25741868].

Illumina Laboratory Services, Illumina
Classification: Uncertain significance for Xeroderma pigmentosum, group F. Last evaluated: 2018-01-13. Review status: criteria provided, single submitter. Criteria: ICSL Variant Classification Criteria 13 December 2019. Collection method: clinical testing. Allele origin: germline.